The following is an entry in ClinVar:

NM_003327.4(TNFRSF4):c.493A>T (p.Ile165Phe)

Gene: TNFRSF4 (TNF receptor superfamily member 4; minus strand). Cytogenetic location: 1p36.33.
Variant type: single nucleotide variant.
Coding change: c.493A>T on transcript NM_003327.4 (MANE Select); coding-DNA position 493, A replaced by T.
Protein change: p.Ile165Phe; replaces isoleucine 165 with phenylalanine.
Molecular consequence: missense variant.
Genome position (GRCh38, 1-based): chr1:1,212,083, T>A on the plus strand (A>T on the coding strand, the complement: TNFRSF4 is on the minus strand). VCF-style: chr1-1212083-T-A. GRCh37 (hg19) VCF-style: chr1-1147463-T-A.
Other names: c.493A>T (NM_003327.3); short protein forms I165F.
Identifiers: ClinVar variation 1435428 (VCV001435428.9), dbSNP rs773861319, ClinGen allele CA512440.
Genomic context (GRCh38, chr1:1,212,083, plus strand): 5'-TGGCCGGGGGGCCCTGGGTCTCCTGGGGCTGCGTGGCTGGGGGGTCCCTGTCCTCACAGA[T>A]TGCGTCCGAGCTATTGCTGGCCGGCTGCAGGGTGTGCTTCCCAGCCAAGGTGCAGCTGTT-3'
Protein context (NP_003318.1, residues 155-175): LQPASNSSDA[Ile165Phe]CEDRDPPATQ

ClinVar aggregate classification (germline): Uncertain significance. Review status: criteria provided, multiple submitters, no conflicts (2 of 4 stars). 2 submissions from 2 submitters: Uncertain significance (2). Last evaluated 2025-06-09.

Conditions:
Combined immunodeficiency due to OX40 deficiency. Also called: Immunodeficiency 16; OX40 DEFICIENCY. Identifiers: Orphanet 431149, MedGen C3810053, MONDO:0014268, OMIM 615593.

Allele frequency attached by ClinVar (database versions not stated): ExAC 0.00001; gnomAD 0.00001; gnomAD exomes 0.00001.
gnomAD v4.1: 14 of 1,612,348 alleles (0.00087%); highest among the groups gnomAD compares: Middle Eastern, 0.066%; no homozygotes.

Submissions (2):

Labcorp Genetics (formerly Invitae), Labcorp
Classification: Uncertain significance for Combined immunodeficiency due to OX40 deficiency. Last evaluated: 2025-06-09. Review status: criteria provided, single submitter. Criteria: Invitae Variant Classification Sherloc (09022015). Collection method: clinical testing. Allele origin: germline.
Comment: This sequence change replaces isoleucine, which is neutral and non-polar, with phenylalanine, which is neutral and non-polar, at codon 165 of the TNFRSF4 protein (p.Ile165Phe). This variant is present in population databases (rs773861319, gnomAD 0.002%). This variant has not been reported in the literature in individuals affected with TNFRSF4-related conditions. ClinVar contains an entry for this variant (Variation ID: 1435428). Invitae Evidence Modeling of protein sequence and biophysical properties (such as structural, functional, and spatial information, amino acid conservation, physicochemical variation, residue mobility, and thermodynamic stability) indicates that this missense variant is not expected to disrupt TNFRSF4 protein function with a negative predictive value of 80%. In summary, the available evidence is currently insufficient to determine the role of this variant in disease. Therefore, it has been classified as a Variant of Uncertain Significance.

Ambry Genetics
Classification: Uncertain significance. Last evaluated: 2024-02-06. Review status: criteria provided, single submitter. Criteria: Ambry Variant Classification Scheme 2023. Collection method: clinical testing. Allele origin: germline.